The following is an entry in ClinVar:

ClinVar aggregate classification (germline): Conflicting classifications of pathogenicity. Review status: criteria provided, conflicting classifications (1 of 4 stars). 3 submissions from 3 submitters: Likely pathogenic (1); Uncertain significance (2). Last evaluated 2025-02-27.

Conditions:
Atrial fibrillation, familial, 13 (ATFB13). Identifiers: MedGen C3809311, MONDO:0014155, OMIM 615377.
Brugada syndrome 5 (BRGDA5). Identifiers: Orphanet 130, Orphanet 871, MedGen C2748541, MONDO:0013015, OMIM 612838.

gnomAD v4.1: 2 of 1,556,528 alleles (0.00013%); highest among the groups gnomAD compares: South Asian, 0.0024%; no homozygotes.

Submissions (3):

Labcorp Genetics (formerly Invitae), Labcorp
Classification: Uncertain significance for Brugada syndrome 5. Last evaluated: 2025-02-27. Review status: criteria provided, single submitter. Criteria: Invitae Variant Classification Sherloc (09022015). Collection method: clinical testing. Allele origin: germline.
Comment: This sequence change creates a premature translational stop signal (p.Gln217*) in the SCN1B gene. While this is not anticipated to result in nonsense mediated decay, it is expected to disrupt the last 52 amino acid(s) of the SCN1B protein. This variant is not present in population databases (gnomAD no frequency). This variant has not been reported in the literature in individuals affected with SCN1B-related conditions. ClinVar contains an entry for this variant (Variation ID: 1307910). Experimental studies and prediction algorithms are not available or were not evaluated, and the functional significance of this variant is currently unknown. In summary, the available evidence is currently insufficient to determine the role of this variant in disease. Therefore, it has been classified as a Variant of Uncertain Significance.

Diagnostics Services (NGS), CSIR - Centre For Cellular And Molecular Biology
Classification: Likely pathogenic for Atrial fibrillation, familial, 13; Brugada syndrome 5. Last evaluated: 2021-10-30. Review status: criteria provided, single submitter. Criteria: ACMG Guidelines, 2015. Collection method: clinical testing. Allele origin: unknown. Inheritance: Autosomal dominant inheritance. Affected: yes. Observed: 1 variant allele, 1 heterozygote.
Comment: The c.649C>T variant is not present in publicly available population databases like 1000 Genomes, Exome Variant Server (EVS), Exome Aggregation Consortium (ExAC), Genome Aggregation Database (gnomAD) and dbSNP. The variant is not present in Indian Exome Database and in our in-house exome database. The variant was not earlier reported to ClinVar, Human Genome Mutation Database (HGMD) and OMIM databases in any affected individuals. In-silico pathogenicity prediction programs like MutationTaster2, CADD, Varsome etc. predicted this variant to be likely deleterious, however these predictions have not been confirmed by published functional studies.

GeneDx
Classification: Uncertain significance. Last evaluated: 2019-09-04. Review status: criteria provided, single submitter. Criteria: GeneDx Variant Classification Process June 2021. Collection method: clinical testing. Allele origin: germline. Affected: yes.
Comment: Not observed in large population cohorts (Lek et al., 2016); Nonsense variant predicted to result in protein truncation in a gene for which loss-of-function is not a known mechanism of disease; Has not been previously published as pathogenic or benign to our knowledge

NM_001037.5(SCN1B):c.448+201C>T

Gene: SCN1B (sodium voltage-gated channel beta subunit 1; plus strand). Cytogenetic location: 19q13.11.
Variant type: single nucleotide variant.
Coding change: c.448+201C>T on transcript NM_001037.5 (MANE Select); 201 bases into the intron after coding-DNA position 448, C replaced by T.
Molecular consequence: intron variant. On other transcripts: nonsense (1).
Genome position (GRCh38, 1-based): chr19:35,033,940, C>T. VCF-style: chr19-35033940-C-T. GRCh37 (hg19) VCF-style: chr19-35524844-C-T.
Other names: c.649C>T, p.Gln217Ter (NM_199037.5); c.349+201C>T (NM_001321605.2); short protein forms Q217*.
Identifiers: ClinVar variation 1307910 (VCV001307910.10), dbSNP rs2151746638, ClinGen allele CA405329557.